The following is an entry in ClinVar:

NM_178857.6(RP1L1):c.851C>T (p.Pro284Leu)

Gene: RP1L1 (RP1 like 1). Cytogenetic location: 8p23.1.
Variant type: single nucleotide variant.
Coding change: c.851C>T on transcript NM_178857.6 (MANE Select); coding-DNA position 851, C replaced by T.
Protein change: p.Pro284Leu; replaces proline 284 with leucine.
Molecular consequence: missense variant.
Genome position (GRCh38, 1-based): chr8:10,613,247, G>A on the plus strand (C>T on the coding strand, the complement: RP1L1 is on the minus strand). VCF-style: chr8-10613247-G-A. GRCh37 (hg19) VCF-style: chr8-10470757-G-A.
Other names: short protein forms P284L.
Identifiers: ClinVar variation 908752 (VCV000908752.9), dbSNP rs74594406, ClinGen allele CA4625423.

ClinVar aggregate classification (germline): Benign. Review status: criteria provided, multiple submitters, no conflicts (2 of 4 stars). 5 submissions from 5 submitters: Benign (3). 2 of the submissions do not count toward it. Last evaluated 2024-08-08.

Conditions:
Occult macular dystrophy (OCMD). Also called: OCCULT MACULAR DYSTROPHY, SUSCEPTIBILITY TO; OMD. Identifiers: Orphanet 247834, MedGen C3150833, MONDO:0013316, OMIM 613587, HP:0030636.

Allele frequency attached by ClinVar (database versions not stated): ESP Exome Variant Server 0.00435; TOPMed 0.00499; 1000 Genomes Project 0.00559; 1000 Genomes Project 30x 0.00593.
gnomAD v4.1: 1,409 of 1,611,626 alleles (0.087%); highest among the groups gnomAD compares: African/African-American, 1.6%; 11 homozygotes.

Submissions (5):

Blueprint Genetics
Classification: Benign. Last evaluated: 2024-08-08. Review status: criteria provided, single submitter. Criteria: ACMG Guidelines, 2015. Collection method: clinical testing. Allele origin: germline.

Illumina Laboratory Services, Illumina
Classification: Benign for Occult macular dystrophy. Last evaluated: 2018-01-12. Review status: criteria provided, single submitter. Criteria: ICSL Variant Classification Criteria 13 December 2019. Collection method: clinical testing. Allele origin: germline.
Comment: This variant was observed in the ICSL laboratory as part of a predisposition screen in an ostensibly healthy population. It had not been previously curated by ICSL or reported in the Human Gene Mutation Database (HGMD: prior to June 1st, 2018), and was therefore a candidate for classification through an automated scoring system. Utilizing variant allele frequency, disease prevalence and penetrance estimates, and inheritance mode, an automated score was calculated to assess if this variant is too frequent to cause the disease. Based on the score and internal cut-off values, a variant classified as benign is not then subjected to further curation. The score for this variant resulted in a classification of benign for this disease.

Breakthrough Genomics
Classification: Benign. Review status: criteria provided, single submitter. Criteria: ACMG Guidelines, 2015. Collection method: not provided. Allele origin: germline. Inheritance: Autosomal recessive inheritance. Affected: yes.

Clinical Genetics DNA and cytogenetics Diagnostics Lab, Erasmus MC, Erasmus Medical Center
Classification: Benign. Review status: no assertion criteria provided. Collection method: clinical testing. Allele origin: germline. Affected: yes. Study: VKGL Data-share Consensus. Not counted in ClinVar's aggregate classification.

Clinical Genetics, Academic Medical Center
Classification: Benign. Review status: no assertion criteria provided. Collection method: clinical testing. Allele origin: germline. Affected: yes. Study: VKGL Data-share Consensus. Not counted in ClinVar's aggregate classification.